The following is an entry in ClinVar:

NM_001190.4(BCAT2):c.631C>G (p.Leu211Val)

Gene: BCAT2 (branched chain amino acid transaminase 2; minus strand). Cytogenetic location: 19q13.33.
Variant type: single nucleotide variant.
Coding change: c.631C>G on transcript NM_001190.4 (MANE Select); coding-DNA position 631, C replaced by G.
Protein change: p.Leu211Val; replaces leucine 211 with valine.
Molecular consequence: missense variant.
Genome position (GRCh38, 1-based): chr19:48,799,739, G>C on the plus strand (C>G on the coding strand, the complement: BCAT2 is on the minus strand). VCF-style: chr19-48799739-G-C. GRCh37 (hg19) VCF-style: chr19-49302996-G-C.
Other names: c.355C>G, p.Leu119Val (NM_001164773.2); c.511C>G, p.Leu171Val (NM_001284325.2); short protein forms L119V, L211V, L171V.
Identifiers: ClinVar variation 1910479 (VCV001910479.5), dbSNP rs765961034, ClinGen allele CA9558363.

ClinVar aggregate classification (germline): Uncertain significance (1 of 4 stars; one submission).

Allele frequency attached by ClinVar (database versions not stated): ExAC 0.00002; TOPMed 0.00003.

Submission:

Labcorp Genetics (formerly Invitae), Labcorp
Classification: Uncertain significance. Last evaluated: 2022-05-25. Review status: criteria provided, single submitter. Criteria: Invitae Variant Classification Sherloc (09022015). Collection method: clinical testing. Allele origin: germline.
Comment: In summary, the available evidence is currently insufficient to determine the role of this variant in disease. Therefore, it has been classified as a Variant of Uncertain Significance. Algorithms developed to predict the effect of missense changes on protein structure and function (SIFT, PolyPhen-2, Align-GVGD) all suggest that this variant is likely to be disruptive. This variant has not been reported in the literature in individuals affected with BCAT2-related conditions. This variant is present in population databases (rs765961034, gnomAD 0.007%). This sequence change replaces leucine, which is neutral and non-polar, with valine, which is neutral and non-polar, at codon 211 of the BCAT2 protein (p.Leu211Val).